The following is an entry in ClinVar:

NM_006158.5(NEFL):c.446C>T (p.Ala149Val)

Gene: NEFL (neurofilament light chain; minus strand). Cytogenetic location: 8p21.2.
Variant type: single nucleotide variant.
Coding change: c.446C>T on transcript NM_006158.5 (MANE Select); coding-DNA position 446, C replaced by T.
Protein change: p.Ala149Val; replaces alanine 149 with valine.
Molecular consequence: missense variant.
Genome position (GRCh38, 1-based): chr8:24,956,070, G>A on the plus strand (C>T on the coding strand, the complement: NEFL is on the minus strand). VCF-style: chr8-24956070-G-A. GRCh37 (hg19) VCF-style: chr8-24813584-G-A.
Other names: short protein forms A149V.
Identifiers: ClinVar variation 41237 (VCV000041237.6), dbSNP rs59101996, ClinGen allele CA217555.

ClinVar aggregate classification (germline): Uncertain significance. Review status: criteria provided, single submitter (1 of 4 stars). 3 submissions from 3 submitters: Uncertain significance (1). 2 of the submissions do not count toward it. Last evaluated 2020-04-11.

Conditions:
Charcot-Marie-Tooth disease type 1F. Also called: Charcot-Marie-Tooth disease, demyelinating, type 1f; CHARCOT-MARIE-TOOTH NEUROPATHY, TYPE 1F. Identifiers: Orphanet 101085, MedGen C1843164, MONDO:0011902, OMIM 607734.
Charcot-Marie-Tooth disease type 2E (CMT2E). Also called: CHARCOT-MARIE-TOOTH DISEASE, AXONAL, TYPE 2E; CHARCOT-MARIE-TOOTH NEUROPATHY, TYPE 2E. Identifiers: Orphanet 99939, MedGen C1843225, MONDO:0011894, OMIM 607684.

Allele frequency attached by ClinVar (database versions not stated): TOPMed below 0.00001.

Submissions (3):

Labcorp Genetics (formerly Invitae), Labcorp
Classification: Uncertain significance for Charcot-Marie-Tooth disease type 2E. Last evaluated: 2020-04-11. Review status: criteria provided, single submitter. Criteria: Invitae Variant Classification Sherloc (09022015). Collection method: clinical testing. Allele origin: germline.
Comment: In summary, the available evidence is currently insufficient to determine the role of this variant in disease. Therefore, it has been classified as a Variant of Uncertain Significance. This variant has been reported to affect NEFL protein function (PMID: 19123978). This variant has been observed in individual(s) with autosomal dominant Charcot-Marie-Tooth disease (PMID: 12477167). This variant has also been reported as c.443C>T (p.Ala148Val). ClinVar contains an entry for this variant (Variation ID: 41237). This variant is not present in population databases (ExAC no frequency). This sequence change replaces alanine with valine at codon 149 of the NEFL protein (p.Ala149Val). The alanine residue is highly conserved and there is a small physicochemical difference between alanine and valine.

Epithelial Biology;  Institute of Medical Biology, Singapore
No classification provided. Review status: no classification provided. Collection method: not provided. Allele origin: not provided. Not counted in ClinVar's aggregate classification.

GeneReviews
No classification provided. Condition: Charcot-Marie-Tooth disease type 1F. Review status: no classification provided. Collection method: literature only. Allele origin: unknown. Not counted in ClinVar's aggregate classification.

Literature cited by the submitters: PubMed 19123978 (cited by Labcorp Genetics (formerly Invitae), Labcorp); PubMed 12477167 (cited by Labcorp Genetics (formerly Invitae), Labcorp); PubMed 20301384 (cited by GeneReviews); NCBI Bookshelf NBK1205 (cited by GeneReviews).